The following is an entry in ClinVar:

NM_004526.4(MCM2):c.2444G>A (p.Arg815His)

Genes: MCM2 (minichromosome maintenance complex component 2; plus strand), LOC107986126 (uncharacterized LOC107986126; minus strand). Cytogenetic location: 3q21.3.
Variant type: single nucleotide variant.
Coding change: c.2444G>A on transcript NM_004526.4 (MANE Select); coding-DNA position 2444, G replaced by A.
Protein change: p.Arg815His; replaces arginine 815 with histidine.
Molecular consequence: missense variant. On other transcripts: non-coding transcript variant (1).
Genome position (GRCh38, 1-based): chr3:127,620,876, G>A. VCF-style: chr3-127620876-G-A. GRCh37 (hg19) VCF-style: chr3-127339719-G-A.
Other names: DFNA70; short protein forms R815H.
Identifiers: ClinVar variation 1431208 (VCV001431208.7), dbSNP rs779228557, ClinGen allele CA2596228.
Genomic context (GRCh38, chr3:127,620,876, plus strand): 5'-TCCGCGTGATGCTGGAGAGCTTCATAGACACACAGAAGTTCAGCGTCATGCGCAGCATGC[G>A]CAAGGTGGGTGTGCTCCGAGGTAGGGGCCTGATGGGCAAGCTCAGTGAAGGAGGCCACAC-3'
Protein context (NP_004517.2, residues 805-825): TQKFSVMRSM[Arg815His]KTFARYLSFR

ClinVar aggregate classification (germline): Uncertain significance. Review status: criteria provided, multiple submitters, no conflicts (2 of 4 stars). 2 submissions from 2 submitters: Uncertain significance (2). Last evaluated 2024-12-25.

Conditions:
Autosomal dominant nonsyndromic hearing loss 70. Also called: Deafness, autosomal dominant 70. Identifiers: Orphanet 90635, MedGen C4310775, MONDO:0014853, OMIM 616968.

Allele frequency attached by ClinVar (database versions not stated): gnomAD exomes 0.00002 and 0.00003; TOPMed 0.00002.

Submissions (2):

Laboratory of Prof. Karen Avraham, Tel Aviv University
Classification: Uncertain significance for Autosomal dominant nonsyndromic hearing loss 70. Last evaluated: 2024-12-25. Review status: criteria provided, single submitter. Criteria: ACMG Guidelines, 2015. Collection method: research. Allele origin: germline. Affected: yes. Observed: 2 variant alleles.
Comment: The MCM2 c.2444G>A:p.(Arg815His) heterozygous variant is very rare and predicted deleterious. It was detected in two individuals with sloping normal-to-severe HL.

Labcorp Genetics (formerly Invitae), Labcorp
Classification: Uncertain significance. Last evaluated: 2024-12-03. Review status: criteria provided, single submitter. Criteria: Invitae Variant Classification Sherloc (09022015). Collection method: clinical testing. Allele origin: germline.
Comment: This sequence change replaces arginine, which is basic and polar, with histidine, which is basic and polar, at codon 815 of the MCM2 protein (p.Arg815His). This variant is present in population databases (rs779228557, gnomAD 0.009%). This variant has not been reported in the literature in individuals affected with MCM2-related conditions. ClinVar contains an entry for this variant (Variation ID: 1431208). Invitae Evidence Modeling of protein sequence and biophysical properties (such as structural, functional, and spatial information, amino acid conservation, physicochemical variation, residue mobility, and thermodynamic stability) indicates that this missense variant is expected to disrupt MCM2 protein function with a positive predictive value of 80%. In summary, the available evidence is currently insufficient to determine the role of this variant in disease. Therefore, it has been classified as a Variant of Uncertain Significance.